The following is an entry in ClinVar:

ClinVar aggregate classification (germline): Uncertain significance (1 of 4 stars; one submission).

Conditions:
Cardiovascular phenotype. Identifiers: MedGen CN230736.

Submission:

Ambry Genetics
Classification: Uncertain significance for Cardiovascular phenotype. Last evaluated: 2025-08-08. Review status: criteria provided, single submitter. Criteria: Ambry Variant Classification Scheme 2023. Collection method: clinical testing. Allele origin: germline.
Comment: The c.1384T>A (p.F462I) alteration is located in exon 10 (coding exon 10) of the SOS1 gene. This alteration results from a T to A substitution at nucleotide position 1384, causing the phenylalanine (F) at amino acid position 462 to be replaced by an isoleucine (I). This variant was not reported in population-based cohorts in the Genome Aggregation Database (gnomAD). This amino acid position is highly conserved in available vertebrate species. This alteration is predicted to be deleterious by in silico analysis. Based on insufficient or conflicting evidence, the clinical significance of this alteration remains unclear.

NM_005633.4(SOS1):c.1384T>A (p.Phe462Ile)

Gene: SOS1 (SOS Ras/Rac guanine nucleotide exchange factor 1; minus strand). Cytogenetic location: 2p22.1.
Variant type: single nucleotide variant.
Coding change: c.1384T>A on transcript NM_005633.4 (MANE Select); coding-DNA position 1384, T replaced by A.
Protein change: p.Phe462Ile; replaces phenylalanine 462 with isoleucine.
Molecular consequence: missense variant.
Genome position (GRCh38, 1-based): chr2:39,023,044, A>T on the plus strand (T>A on the coding strand, the complement: SOS1 is on the minus strand). VCF-style: chr2-39023044-A-T. GRCh37 (hg19) VCF-style: chr2-39250185-A-T.
Other names: c.1363T>A, p.Phe455Ile (NM_001382394.1); c.1384T>A, p.Phe462Ile (NM_001382395.1); short protein forms F462I, F455I.
Identifiers: ClinVar variation 3959851 (VCV003959851.2).